The following is an entry in ClinVar:

ClinVar aggregate classification (germline): Benign. Review status: criteria provided, single submitter (1 of 4 stars). 2 submissions from 2 submitters: Benign (1). 1 of the submissions does not count toward it. Last evaluated 2020-07-30.

Conditions:
SMARCA2-related disorder. Also called: SMARCA2-related condition.

Submissions (2):

GeneDx
Classification: Benign. Last evaluated: 2020-07-30. Review status: criteria provided, single submitter. Criteria: GeneDx Variant Classification Process June 2021. Collection method: clinical testing. Allele origin: germline. Affected: yes.

PreventionGenetics, part of Exact Sciences
Classification: Benign for SMARCA2-related condition. Last evaluated: 2019-04-26. Review status: no assertion criteria provided. Collection method: clinical testing. Allele origin: germline. Not counted in ClinVar's aggregate classification.
Comment: This variant is classified as benign based on ACMG/AMP sequence variant interpretation guidelines (Richards et al. 2015 PMID: 25741868, with internal and published modifications).

NM_003070.5(SMARCA2):c.2349-10del

Gene: SMARCA2 (SWI/SNF related BAF chromatin remodeling complex subunit ATPase 2; plus strand). Cytogenetic location: 9p24.3.
Variant type: Deletion.
Coding change: c.2349-10del on transcript NM_003070.5 (MANE Select); 10 bases into the intron before coding-DNA position 2349, one base deleted (T; older notation c.2349-10delT).
Molecular consequence: intron variant.
Genome position (GRCh38, 1-based): chr9:2,083,337, T deleted; the last of 12 consecutive T bases (chr9:2,083,326-2,083,337); deleting any one gives the same sequence. VCF-style (leftmost placement, unchanged base first): chr9-2083325-GT-G. GRCh37 (hg19) VCF-style: chr9-2083325-GT-G.
Other names: c.2349-10del (NM_139045.4, NM_001289397.2, NM_001289396.2).
Identifiers: ClinVar variation 1277235 (VCV001277235.3), dbSNP rs766737229, ClinGen allele CA4963453.
Genomic context (GRCh38, chr9:2,083,325, plus strand): 5'-GAACATGAATAAGAACATCTTTTTAACCATTGATTTTTATACAAATGTCTTTTTTCTGTT[GT>G]TTTTTTTTTTTGTTCCATAGGACTCTATCTAACTGGACATATGAATTTGACAAATGGGCT-3'